The following is an entry in ClinVar:

ClinVar aggregate classification (germline): Pathogenic (1 of 4 stars; one submission).

Conditions:
Tuberous sclerosis 1 (TSC1). Identifiers: Orphanet 805, MedGen C1854465, MONDO:0008612, OMIM 191100.

Submission:

Labcorp Genetics (formerly Invitae), Labcorp
Classification: Pathogenic for Tuberous sclerosis 1. Last evaluated: 2023-03-02. Review status: criteria provided, single submitter. Criteria: Invitae Variant Classification Sherloc (09022015). Collection method: clinical testing. Allele origin: germline.
Comment: For these reasons, this variant has been classified as Pathogenic. Algorithms developed to predict the effect of sequence changes on RNA splicing suggest that this variant may disrupt the consensus splice site. Disruption of this splice site has been observed in individual(s) with tuberous sclerosis complex (PMID: 20399389). This variant is not present in population databases (gnomAD no frequency). This sequence change affects a donor splice site in intron 4 of the TSC1 gene. It is expected to disrupt RNA splicing. Variants that disrupt the donor or acceptor splice site typically lead to a loss of protein function (PMID: 16199547), and loss-of-function variants in TSC1 are known to be pathogenic (PMID: 10227394, 17304050).

Literature cited by the submitters: PubMed 20399389; PubMed 16199547; PubMed 10227394; PubMed 17304050.

NM_000368.5(TSC1):c.210+1G>T

Gene: TSC1 (TSC complex subunit 1; minus strand). Cytogenetic location: 9q34.13.
Variant type: single nucleotide variant.
Coding change: c.210+1G>T on transcript NM_000368.5 (MANE Select); the canonical splice donor site of the intron after coding-DNA position 210, G replaced by T.
Molecular consequence: splice donor variant. On other transcripts: intron variant (9).
Genome position (GRCh38, 1-based): chr9:132,927,200, C>A on the plus strand (G>T on the coding strand, the complement: TSC1 is on the minus strand). VCF-style: chr9-132927200-C-A. GRCh37 (hg19) VCF-style: chr9-135802587-C-A.
Other names: c.-153-1461G>T (NM_001406620.1, NM_001406618.1, NM_001406625.1 and 5 more transcripts); c.210+1G>T (NM_001406613.1, NM_001406612.1, NM_001406610.1 and 21 more transcripts); c.-668+1G>T (NM_001406627.1, NM_001406628.1, NM_001406626.1); c.-245-1461G>T (NM_001406614.1); c.-884+1G>T (NM_001406630.1); c.-246+1G>T (NM_001406624.1, NM_001406616.1); c.-279+1G>T (NM_001406623.1, NM_001406615.1); c.-810+1G>T (NM_001406629.1).
Identifiers: ClinVar variation 2826368 (VCV002826368.3), dbSNP rs118203348, ClinGen allele CA375375015.